The following is an entry in ClinVar:

ClinVar aggregate classification (germline): Uncertain significance (1 of 4 stars; one submission).

Allele frequency attached by ClinVar (database versions not stated): ExAC 0.00002.
gnomAD v4.1: 14 of 1,614,022 alleles (0.00087%); highest among the groups gnomAD compares: South Asian, 0.015%; no homozygotes.

Submission:

Women's Health and Genetics/Laboratory Corporation of America, LabCorp
Classification: Uncertain significance. Last evaluated: 2025-02-06. Review status: criteria provided, single submitter. Criteria: LabCorp Variant Classification Summary - May 2015. Collection method: clinical testing. Allele origin: germline.
Comment: Variant summary: TCF20 c.118A>G (p.Asn40Asp) results in a conservative amino acid change in the encoded protein sequence. Four of five in-silico tools predict a benign effect of the variant on protein function. The variant allele was found at a frequency of 2.8e-05 in 251424 control chromosomes. The available data on variant occurrences in the general population are insufficient to allow any conclusion about variant significance. To our knowledge, no occurrence of c.118A>G in individuals affected with Developmental Delay With Variable Intellectual Impairment And Behavioral Abnormalities and no experimental evidence demonstrating its impact on protein function have been reported. ClinVar contains an entry for this variant (Variation ID: 2577064). Based on the evidence outlined above, the variant was classified as uncertain significance.

NM_001378418.1(TCF20):c.118A>G (p.Asn40Asp)

Gene: TCF20 (transcription factor 20; minus strand). Cytogenetic location: 22q13.2.
Variant type: single nucleotide variant.
Coding change: c.118A>G on transcript NM_001378418.1 (MANE Select); coding-DNA position 118, A replaced by G.
Protein change: p.Asn40Asp; replaces asparagine 40 with aspartic acid.
Molecular consequence: missense variant.
Genome position (GRCh38, 1-based): chr22:42,215,188, T>C on the plus strand (A>G on the coding strand, the complement: TCF20 is on the minus strand). VCF-style: chr22-42215188-T-C. GRCh37 (hg19) VCF-style: chr22-42611194-T-C.
Other names: c.118A>G, p.Asn40Asp (NM_005650.4, NM_181492.3); short protein forms N40D.
Identifiers: ClinVar variation 2577064 (VCV002577064.2), dbSNP rs749220008, ClinGen allele CA10267442.
Genomic context (GRCh38, chr22:42,215,188, plus strand): 5'-GTCGTCCACCACCACTGCCACTGCCACTGCTGCCACTACTGCCACCTGTACCTCCAAAAT[T>C]CTGGAACATCTGGGCCTGACGAGGGCTGAACTCTTCTAGCCGGGATGAGCCGTGTACCTC-3'
Protein context (NP_001365347.1, residues 30-50): FSPRQAQMFQ[Asn40Asp]FGGTGGSSGS